The following is an entry in ClinVar:

NM_020791.4(TAOK1):c.1837C>G (p.Leu613Val)

Gene: TAOK1 (TAO kinase 1; plus strand). Cytogenetic location: 17q11.2.
Variant type: single nucleotide variant.
Coding change: c.1837C>G on transcript NM_020791.4 (MANE Select); coding-DNA position 1837, C replaced by G.
Protein change: p.Leu613Val; replaces leucine 613 with valine.
Molecular consequence: missense variant. On other transcripts: intron variant (1).
Genome position (GRCh38, 1-based): chr17:29,517,585, C>G. VCF-style: chr17-29517585-C-G. GRCh37 (hg19) VCF-style: chr17-27844603-C-G.
Other names: c.1704+6593C>G (NM_025142.1); short protein forms L613V.
Identifiers: ClinVar variation 3027302 (VCV003027302.22), dbSNP rs2031841258, ClinGen allele CA399197214.

ClinVar aggregate classification (germline): Uncertain significance. Review status: criteria provided, multiple submitters, no conflicts (2 of 4 stars). 2 submissions from 2 submitters: Uncertain significance (2). Last evaluated 2024-04-04.

Conditions:
Developmental delay with or without intellectual impairment or behavioral abnormalities. Identifiers: MedGen C5562004, MONDO:0859199, OMIM 619575.

Allele frequency attached by ClinVar (database versions not stated): gnomAD exomes below 0.00001; TOPMed below 0.00001.
gnomAD v4.1: 2 of 1,613,882 alleles (0.00012%); highest among the groups gnomAD compares: African/African-American, 0.0027%; no homozygotes.

Submissions (2):

Genomic Medicine Center of Excellence, King Faisal Specialist Hospital and Research Centre
Classification: Uncertain significance for Developmental delay with or without intellectual impairment or behavioral abnormalities. Last evaluated: 2024-04-04. Review status: criteria provided, single submitter. Criteria: ACMG Guidelines, 2015. Collection method: clinical testing. Allele origin: germline.

CeGaT Center for Human Genetics Tuebingen
Classification: Uncertain significance. Last evaluated: 2024-02-01. Review status: criteria provided, single submitter. Criteria: CeGaT Center For Human Genetics Tuebingen Variant Classification Criteria Version 2. Collection method: clinical testing. Allele origin: germline. Affected: yes. Observed: 1 variant allele.
Comment: TAOK1: PM2